The following is an entry in ClinVar:

ClinVar aggregate classification (germline): Uncertain significance (1 of 4 stars; one submission).

Allele frequency attached by ClinVar (database versions not stated): gnomAD exomes below 0.00001; TOPMed below 0.00001.
gnomAD v4.1: 5 of 1,612,728 alleles (0.00031%); highest among the groups gnomAD compares: African/African-American, 0.0013%; no homozygotes.

Submission:

Labcorp Genetics (formerly Invitae), Labcorp
Classification: Uncertain significance. Last evaluated: 2021-12-29. Review status: criteria provided, single submitter. Criteria: Invitae Variant Classification Sherloc (09022015). Collection method: clinical testing. Allele origin: germline.
Comment: In summary, the available evidence is currently insufficient to determine the role of this variant in disease. Therefore, it has been classified as a Variant of Uncertain Significance. Advanced modeling of protein sequence and biophysical properties (such as structural, functional, and spatial information, amino acid conservation, physicochemical variation, residue mobility, and thermodynamic stability) performed at Invitae indicates that this missense variant is not expected to disrupt CACNA1B protein function. This variant has not been reported in the literature in individuals affected with CACNA1B-related conditions. This variant is not present in population databases (gnomAD no frequency). This sequence change replaces arginine, which is basic and polar, with tryptophan, which is neutral and slightly polar, at codon 1062 of the CACNA1B protein (p.Arg1062Trp).

NM_000718.4(CACNA1B):c.3184C>T (p.Arg1062Trp)

Gene: CACNA1B (calcium voltage-gated channel subunit alpha1 B; plus strand). Cytogenetic location: 9q34.3.
Variant type: single nucleotide variant.
Coding change: c.3184C>T on transcript NM_000718.4 (MANE Select); coding-DNA position 3184, C replaced by T.
Protein change: p.Arg1062Trp; replaces arginine 1062 with tryptophan.
Molecular consequence: missense variant.
Genome position (GRCh38, 1-based): chr9:138,025,070, C>T. VCF-style: chr9-138025070-C-T. GRCh37 (hg19) VCF-style: chr9-140919522-C-T.
Other names: c.3184C>T, p.Arg1062Trp (NM_001243812.2); short protein forms R1062W.
Identifiers: ClinVar variation 1506457 (VCV001506457.4), dbSNP rs1958903959, ClinGen allele CA375811009.